The following is an entry in ClinVar:

NM_000443.4(ABCB4):c.1007T>A (p.Val336Asp)

Gene: ABCB4 (ATP binding cassette subfamily B member 4; minus strand). Cytogenetic location: 7q21.12.
Variant type: single nucleotide variant.
Coding change: c.1007T>A on transcript NM_000443.4 (MANE Select); coding-DNA position 1007, T replaced by A.
Protein change: p.Val336Asp; replaces valine 336 with aspartic acid.
Molecular consequence: missense variant.
Genome position (GRCh38, 1-based): chr7:87,444,974, A>T on the plus strand (T>A on the coding strand, the complement: ABCB4 is on the minus strand). VCF-style: chr7-87444974-A-T. GRCh37 (hg19) VCF-style: chr7-87074290-A-T.
Other names: c.1007T>A, p.Val336Asp (NM_018849.3, NM_018850.3); short protein forms V336D.
Identifiers: ClinVar variation 4846657 (VCV004846657.1).
Genomic context (GRCh38, chr7:87,444,974, plus strand): 5'-GCATCAATACATGGGGCAGCCTGGCCAACACTGAAAGCTCCAATTAGGATTGAAAAAAAA[A>T]CCTGAGCAAAATAACATGAGGAAAAGTTTAAGTCACATTCTGGCATTCATTATTATCTAA-3'
Protein context (NP_000434.1, residues 326-346): KEYTIGNAMT[Val336Asp]FFSILIGAFS

ClinVar aggregate classification (germline): Uncertain significance (1 of 4 stars; one submission).

Conditions:
Familial intrahepatic cholestasis. Identifiers: Orphanet 284385, MedGen CN296401, MONDO:0017290.

gnomAD v4.1: 1 of 1,595,672 alleles (0.000063%); highest among the groups gnomAD compares: Non-Finnish European, 0.000085%; no homozygotes.

Submission:

Genomenon, Inc
Classification: Uncertain significance for Familial intrahepatic cholestasis. Last evaluated: 2026-04-14. Review status: criteria provided, single submitter. Criteria: Genomenon Sequence Variant Interpretation Standards - Updated. Collection method: curation. Allele origin: germline. Affected: yes.
Comment: ABCB4 p.Val336Asp (c.1007T>A) is a missense variant that changes the amino acid at residue 336 from Valine to Aspartic acid. This variant has been observed in at least one proband with an ABCB4-related disorder (PMID:39132680). It has been observed in trans with a pathogenic or likely pathogenic variant (PMID:39132680). It is absent or not present at a significant frequency in gnomAD. In silico models predict that this variant is possibly or probably damaging. In conclusion, we classify ABCB4 p.Val336Asp (c.1007T>A) as a variant of uncertain significance.

Literature cited by the submitters: PubMed 39132680.